The following is an entry in ClinVar:

NM_004281.4(BAG3):c.1097T>C (p.Val366Ala)

Gene: BAG3 (BAG cochaperone 3; plus strand). Cytogenetic location: 10q26.11.
Variant type: single nucleotide variant.
Coding change: c.1097T>C on transcript NM_004281.4 (MANE Select); coding-DNA position 1097, T replaced by C.
Protein change: p.Val366Ala; replaces valine 366 with alanine.
Molecular consequence: missense variant.
Genome position (GRCh38, 1-based): chr10:119,676,651, T>C. VCF-style: chr10-119676651-T-C. GRCh37 (hg19) VCF-style: chr10-121436163-T-C.
Other names: short protein forms V366A.
Identifiers: ClinVar variation 3752669 (VCV003752669.2).
Genomic context (GRCh38, chr10:119,676,651, plus strand): 5'-TGGATTCTAAACCTGTTTCCCAGAAGCCCCCACCTCCCTCTGAGAAGGTAGAGGTGAAAG[T>C]TCCCCCTGCTCCAGTTCCTTGTCCTCCTCCCAGCCCTGGCCCTTCTGCTGTCCCCTCTTC-3'
Protein context (NP_004272.2, residues 356-376): PPPSEKVEVK[Val366Ala]PPAPVPCPPP

ClinVar aggregate classification (germline): Uncertain significance (1 of 4 stars; one submission).

Conditions:
Dilated cardiomyopathy 1HH (CMD1HH). Identifiers: Orphanet 154, MedGen C3151293, MONDO:0013479, OMIM 613881.
Myofibrillar myopathy 6. Identifiers: Orphanet 199340, MedGen C2751831, MONDO:0013061, OMIM 612954.

Submission:

Labcorp Genetics (formerly Invitae), Labcorp
Classification: Uncertain significance for Dilated cardiomyopathy 1HH; Myofibrillar myopathy 6. Last evaluated: 2026-01-22. Review status: criteria provided, single submitter. Criteria: Invitae Variant Classification Sherloc (09022015). Collection method: clinical testing. Allele origin: germline.
Comment: This sequence change replaces valine, which is neutral and non-polar, with alanine, which is neutral and non-polar, at codon 366 of the BAG3 protein (p.Val366Ala). This variant is not present in population databases (gnomAD no frequency). This variant has not been reported in the literature in individuals affected with BAG3-related conditions. ClinVar contains an entry for this variant (Variation ID: 3752669). Invitae Evidence Modeling of protein sequence and biophysical properties (such as structural, functional, and spatial information, amino acid conservation, physicochemical variation, residue mobility, and thermodynamic stability) indicates that this missense variant is not expected to disrupt BAG3 protein function with a negative predictive value of 80%. In summary, the available evidence is currently insufficient to determine the role of this variant in disease. Therefore, it has been classified as a Variant of Uncertain Significance.